The following is an entry in ClinVar:

ClinVar aggregate classification (germline): Likely benign (1 of 4 stars; one submission).

gnomAD v4.1: 1 of 1,554,812 alleles (0.000064%); highest among the groups gnomAD compares: Non-Finnish European, 0.000086%; no homozygotes.

Submission:

CeGaT Center for Human Genetics Tuebingen
Classification: Likely benign. Last evaluated: 2026-08-01. Review status: criteria provided, single submitter. Criteria: CeGaT Center For Human Genetics Tuebingen Variant Classification Criteria Version 2. Collection method: clinical testing. Allele origin: germline. Affected: yes. Observed: 1 variant allele.
Comment: NSMCE3: BP4, BP7

NM_138704.4(NSMCE3):c.27C>T (p.Gly9=)

Genes: ENTREP2 (endosomal transmembrane epsin interactor 2; minus strand), NSMCE3 (NSE3 component of SMC5/6 complex; minus strand). Cytogenetic location: 15q13.1.
Variant type: single nucleotide variant.
Coding change: c.27C>T on transcript NM_138704.4 (MANE Select); coding-DNA position 27, C replaced by T.
Protein change: p.Gly9=; no amino-acid change (glycine 9 retained).
Molecular consequence: synonymous variant. On other transcripts: intron variant (5).
Genome position (GRCh38, 1-based): chr15:29,269,679, G>A on the plus strand (C>T on the coding strand, the complement: NSMCE3 is on the minus strand). VCF-style: chr15-29269679-G-A. GRCh37 (hg19) VCF-style: chr15-29561883-G-A.
Other names: c.-12-17201C>T (NM_001387217.1, NM_001387215.1, NM_001387216.1); c.277-17201C>T (NM_001387214.1, NM_015307.2).
Identifiers: ClinVar variation 5040691 (VCV005040691.1).